The following is an entry in ClinVar:

NM_003072.5(SMARCA4):c.696_731del (p.229GP[2])

Gene: SMARCA4 (SWI/SNF related BAF chromatin remodeling complex subunit ATPase 4; plus strand). Cytogenetic location: 19p13.2.
Variant type: Deletion.
Coding change: c.696_731del on transcript NM_003072.5 (MANE Select); coding-DNA positions 696 to 731, 36 bases deleted.
Protein change: p.229GP[2].
Molecular consequence: inframe deletion. On other transcripts: non-coding transcript variant (1).
Genome position (GRCh38, 1-based): chr19:10,986,529-10,986,564, 36 bases deleted; deleting any 36 consecutive bases within chr19:10,986,521-10,986,564 gives the same sequence; the c. name uses the placement nearest the transcript's 3' end. GRCh37 (hg19): chr19:11,097,205-11,097,240.
Other names: c.696_731del, p.229GP[2] (NM_001128844.3, NM_001128845.2, NM_001128846.2 and 5 more transcripts).
Identifiers: ClinVar variation 654121 (VCV000654121.9), dbSNP rs1599952392, ClinGen allele CA915952562.
Genomic context (GRCh38, chr19:10,986,520, plus strand): 5'-GATGCCCGGGATGCAGCAGCAGATGCCAACGCTACCTCCACCCTCGGTGTCCGCAACAGG[ACCCGGCCCTGGCCCTGGCCCTGGCCCCGGCCCGGGT>A]CCCGGCCCGGCACCTCCAAATTACAGCAGGCCTCATGGTAAGACTGGCTGCCCTGGCCCT-3'

ClinVar aggregate classification (germline): Uncertain significance. Review status: criteria provided, multiple submitters, no conflicts (2 of 4 stars). 2 submissions from 2 submitters: Uncertain significance (2). Last evaluated 2025-09-17.

Conditions:
Rhabdoid tumor predisposition syndrome 2 (RTPS2). Identifiers: Orphanet 231108, Orphanet 69077, MedGen C2750074, MONDO:0013224, OMIM 613325.

Submissions (2):

Labcorp Genetics (formerly Invitae), Labcorp
Classification: Uncertain significance for Rhabdoid tumor predisposition syndrome 2. Last evaluated: 2025-09-17. Review status: criteria provided, single submitter. Criteria: Invitae Variant Classification Sherloc (09022015). Collection method: clinical testing. Allele origin: germline.
Comment: This variant, c.696_731del, results in the deletion of 12 amino acid(s) of the SMARCA4 protein (p.Gly233_Pro244del), but otherwise preserves the integrity of the reading frame. This variant is not present in population databases (gnomAD no frequency). This variant has not been reported in the literature in individuals affected with SMARCA4-related conditions. ClinVar contains an entry for this variant (Variation ID: 654121). Experimental studies and prediction algorithms are not available or were not evaluated, and the functional significance of this variant is currently unknown. In summary, the available evidence is currently insufficient to determine the role of this variant in disease. Therefore, it has been classified as a Variant of Uncertain Significance.

Baylor Genetics
Classification: Uncertain significance for Rhabdoid tumor predisposition syndrome 2. Last evaluated: 2024-02-19. Review status: criteria provided, single submitter. Criteria: ACMG Guidelines, 2015. Collection method: clinical testing. Allele origin: unknown.